The following is an entry in ClinVar:

ClinVar aggregate classification (germline): Likely benign (1 of 4 stars; one submission).

Conditions:
NRP2-related disorder. Also called: NRP2-related condition.

gnomAD v4.1: 7 of 1,614,068 alleles (0.00043%); highest among the groups gnomAD compares: Admixed American, 0.0017%; no homozygotes.

Submission:

PreventionGenetics, part of Exact Sciences
Classification: Likely benign for NRP2-related condition. Last evaluated: 2025-07-20. Review status: criteria provided, single submitter. Criteria: ACMG Guidelines, 2015. Collection method: clinical testing. Allele origin: germline.
Comment: This variant is classified as likely benign based on ACMG/AMP sequence variant interpretation guidelines (Richards et al. 2015 PMID: 25741868, with internal and published modifications).

NM_003872.3(NRP2):c.780C>T (p.Phe260=)

Gene: NRP2 (neuropilin 2; plus strand). Cytogenetic location: 2q33.3.
Variant type: single nucleotide variant.
Coding change: c.780C>T on transcript NM_003872.3 (MANE Select); coding-DNA position 780, C replaced by T.
Protein change: p.Phe260=; no amino-acid change (phenylalanine 260 retained).
Molecular consequence: synonymous variant.
Genome position (GRCh38, 1-based): chr2:205,723,900, C>T. VCF-style: chr2-205723900-C-T. GRCh37 (hg19) VCF-style: chr2-206588624-C-T.
Other names: c.780C>T, p.Phe260= (NM_018534.4, NM_201264.2, NM_201266.2 and 2 more transcripts).
Identifiers: ClinVar variation 4989667 (VCV004989667.1).